The following is an entry in ClinVar:

ClinVar aggregate classification (germline): Conflicting classifications of pathogenicity. Review status: criteria provided, conflicting classifications (1 of 4 stars). 4 submissions from 4 submitters: Uncertain significance (1); Likely benign (3). Last evaluated 2025-12-23.

Conditions:
Tyrosinemia type I (TYRSN1). Also called: FAH DEFICIENCY; Deficiency of fumarylacetoacetase; HEPATORENAL TYROSINEMIA; Tyrosinemia type 1; Fumarylacetoacetase deficiency. Identifiers: Orphanet 882, MedGen C0268490, MONDO:0010161, OMIM 276700. Disease mechanism: loss of function.
FAH-related disorder. Also called: FAH-related condition.

Allele frequency attached by ClinVar (database versions not stated): gnomAD 0.00001 and 0.00002; gnomAD exomes 0.00001; ExAC 0.00002; TOPMed 0.00002; 1000 Genomes Project 30x 0.00016; 1000 Genomes Project 0.00020.
gnomAD v4.1: 46 of 1,614,228 alleles (0.0028%); highest among the groups gnomAD compares: Middle Eastern, 0.016%; no homozygotes.

Submissions (4):

Labcorp Genetics (formerly Invitae), Labcorp
Classification: Likely benign for Tyrosinemia type I. Last evaluated: 2025-12-23. Review status: criteria provided, single submitter. Criteria: Invitae Variant Classification Sherloc (09022015). Collection method: clinical testing. Allele origin: germline.

PreventionGenetics, part of Exact Sciences
Classification: Likely benign for FAH-related condition. Last evaluated: 2025-11-04. Review status: criteria provided, single submitter. Criteria: ACMG Guidelines, 2015. Collection method: clinical testing. Allele origin: germline.
Comment: This variant is classified as likely benign based on ACMG/AMP sequence variant interpretation guidelines (Richards et al. 2015 PMID: 25741868, with internal and published modifications).

Blueprint Genetics
Classification: Likely benign. Last evaluated: 2024-10-30. Review status: criteria provided, single submitter. Criteria: ACMG Guidelines, 2015. Collection method: clinical testing. Allele origin: germline.

Eurofins Ntd Llc (ga)
Classification: Uncertain significance. Last evaluated: 2018-02-08. Review status: criteria provided, single submitter. Criteria: EGL Classification Definitions 2015. Collection method: clinical testing. Allele origin: germline. Observed: 1 variant allele, 1 heterozygote.

NM_000137.4(FAH):c.318A>G (p.Ala106=)

Genes: FAH (fumarylacetoacetate hydrolase; plus strand), LOC112272621 (Sharpr-MPRA regulatory region 12283; plus strand). Cytogenetic location: 15q25.1.
Variant type: single nucleotide variant.
Coding change: c.318A>G on transcript NM_000137.4 (MANE Select); coding-DNA position 318, A replaced by G.
Protein change: p.Ala106=; no amino-acid change (alanine 106 retained).
Molecular consequence: synonymous variant.
Genome position (GRCh38, 1-based): chr15:80,160,413, A>G. VCF-style: chr15-80160413-A-G. GRCh37 (hg19) VCF-style: chr15-80452755-A-G.
Other names: c.318A>G, p.Ala106= (NM_001374377.1, NM_001374380.1); c.318A>G (NM_000137.2).
Identifiers: ClinVar variation 596057 (VCV000596057.16), dbSNP rs141827305, ClinGen allele CA7691102.